The following is an entry in ClinVar:

ClinVar aggregate classification (germline): Likely pathogenic (1 of 4 stars; one submission).

Conditions:
Hereditary cancer-predisposing syndrome. Also called: Neoplastic Syndromes, Hereditary; Tumor predisposition; Hereditary Cancer Syndrome; Hereditary neoplastic syndrome. Identifiers: Orphanet 140162, MedGen C0027672, MeSH D009386, MONDO:0015356.

Submission:

Ambry Genetics
Classification: Likely pathogenic for Hereditary cancer-predisposing syndrome. Last evaluated: 2025-09-24. Review status: criteria provided, single submitter. Criteria: Ambry Variant Classification Scheme 2023. Collection method: clinical testing. Allele origin: germline.
Comment: The p.A49P variant (also known as c.145G>C), located in coding exon 1 of the MEN1 gene, results from a G to C substitution at nucleotide position 145. The alanine at codon 49 is replaced by proline, an amino acid with highly similar properties. This variant was reported in individual(s) with features consistent with Multiple endocrine neoplasia type 1 (Ambry internal data). Based on internal structural analysis, this variant is anticipated to result in a significant decrease in structural stability (Ambry internal data). This amino acid position is highly conserved in available vertebrate species. In addition, this alteration is predicted to be deleterious by in silico analysis. This variant is considered to be rare based on population cohorts in the Genome Aggregation Database (gnomAD). Based on the majority of available evidence to date, this variant is likely to be pathogenic.

NM_001370259.2(MEN1):c.145G>C (p.Ala49Pro)

Gene: MEN1 (menin 1; minus strand). Cytogenetic location: 11q13.1.
Variant type: single nucleotide variant.
Coding change: c.145G>C on transcript NM_001370259.2 (MANE Select); coding-DNA position 145, G replaced by C.
Protein change: p.Ala49Pro; replaces alanine 49 with proline.
Molecular consequence: missense variant. On other transcripts: non-coding transcript variant (4).
Genome position (GRCh38, 1-based): chr11:64,809,965, C>G on the plus strand (G>C on the coding strand, the complement: MEN1 is on the minus strand). VCF-style: chr11-64809965-C-G. GRCh37 (hg19) VCF-style: chr11-64577437-C-G.
Other names: c.145G>C, p.Ala49Pro (NM_001407152.1, NM_130799.3, NM_130800.3 and 20 more transcripts); short protein forms A49P.
Identifiers: ClinVar variation 4646250 (VCV004646250.1).
Genomic context (GRCh38, chr11:64,809,965, plus strand): 5'-GGGCGGGGCTGGGCTGGAAGGTGAGCTCGGGAACGTTGGTAGGGATGACGCGGTTGACAG[C>G]CAGAAAATGCTCCACGAAGCCCAGCACCAAGGAAAGGAGCACCAGGTCCGGCTCCTCTCG-3'
Protein context (NP_001357188.2, residues 39-59): LVLGFVEHFL[Ala49Pro]VNRVIPTNVP